The following is an entry in ClinVar:

NM_001754.5(RUNX1):c.147A>G (p.Pro49=)

Gene: RUNX1 (RUNX family transcription factor 1; minus strand). Cytogenetic location: 21q22.12.
Variant type: single nucleotide variant.
Coding change: c.147A>G on transcript NM_001754.5 (MANE Select); coding-DNA position 147, A replaced by G.
Protein change: p.Pro49=; no amino-acid change (proline 49 retained).
Molecular consequence: synonymous variant.
Genome position (GRCh38, 1-based): chr21:34,887,047, T>C on the plus strand (A>G on the coding strand, the complement: RUNX1 is on the minus strand). VCF-style: chr21-34887047-T-C. GRCh37 (hg19) VCF-style: chr21-36259344-T-C.
Other names: NM_001754.5(RUNX1):c.147A>G; p.Pro49=; c.66A>G, p.Pro22= (NM_001001890.3, NM_001122607.2).
Identifiers: ClinVar variation 2103402 (VCV002103402.6), dbSNP rs2517487878, ClinGen allele CA512318963.

ClinVar aggregate classification (germline): Likely benign. Review status: reviewed by expert panel (3 of 4 stars). 3 submissions from 3 submitters: Likely benign (1). 2 of the submissions do not count toward it. Last evaluated 2024-09-18.

Conditions:
Hereditary thrombocytopenia and hematological cancer predisposition syndrome associated with RUNX1. Also called: Familial Platelet Disorder with Propensity to Acute Myelogenous Leukemia; Familial thrombocytopenia with propensity to acute myelogenous leukemia; PLATELET DISORDER, ASPIRIN-LIKE; RUNX1 Familial Platelet Disorder with Associated Myeloid Malignancies. Identifiers: Orphanet 71290, MedGen C1832388, MeSH C563324, MONDO:0100083, OMIM 601399.
Hereditary thrombocytopenia and hematologic cancer predisposition syndrome. Identifiers: Orphanet 71290, MedGen CN281654, MONDO:0011071.
Inborn genetic diseases. Identifiers: MedGen C0950123, MeSH D030342.

Submissions (3):

ClinGen Myeloid Malignancy Variant Curation Expert Panel
Classification: Likely benign for Hereditary thrombocytopenia and hematologic cancer predisposition syndrome. Last evaluated: 2024-09-18. Review status: reviewed by expert panel. Criteria: ClinGen MyeloMalig ACMG Specifications v2. Collection method: curation. Allele origin: germline. Inheritance: Autosomal dominant inheritance.
Comment: NM_001754.5(RUNX1):c.147A>G (p.Pro49=) is a synonymous variant which has a SpliceAI score ≤ 0.20 (0.04) (BP4). This variant has a SpliceAI score ≤ 0.20 (0.04) and evolutionary conservation algorithms predict the site as not being conserved (PhyloP score ≤ 2.0 (-0.32) (BP7). This variant is completely absent from all population databases with at least 20x coverage for RUNX1 (PM2_Supporting). In summary, this variant meets criteria to be classified as likely benign. ACMG/AMP criteria applied, as specified by the Myeloid Malignancy Variant Curation Expert Panel for RUNX1: BP4, BP7, PM2_supporting.

Ambry Genetics
Classification: Likely benign for Inborn genetic diseases. Last evaluated: 2025-02-02. Review status: criteria provided, single submitter. Criteria: Ambry Variant Classification Scheme 2023. Collection method: clinical testing. Allele origin: germline. Not counted in ClinVar's aggregate classification.

Labcorp Genetics (formerly Invitae), Labcorp
Classification: Likely benign for Hereditary thrombocytopenia and hematological cancer predisposition syndrome associated with RUNX1. Last evaluated: 2023-10-10. Review status: criteria provided, single submitter. Criteria: Invitae Variant Classification Sherloc (09022015). Collection method: clinical testing. Allele origin: germline. Not counted in ClinVar's aggregate classification.